The following is an entry in ClinVar:

ClinVar aggregate classification (germline): Uncertain significance. Review status: criteria provided, multiple submitters, no conflicts (2 of 4 stars). 2 submissions from 2 submitters: Uncertain significance (2). Last evaluated 2026-02-03.

Conditions:
Gorlin syndrome. Also called: Basal cell nevus syndrome; Nevoid Basal Cell Carcinoma Syndrome. Identifiers: Orphanet 377, MedGen C0004779, MONDO:0007187.
Medulloblastoma (MDB). Also called: MEDULLOBLASTOMA PREDISPOSITION SYNDROME; Medulloblastoma, somatic. Identifiers: Orphanet 616, MedGen C0025149, MeSH D008527, MONDO:0007959, OMIM 155255, HP:0002885.
Hereditary cancer-predisposing syndrome. Also called: Tumor predisposition; Neoplastic Syndromes, Hereditary; Hereditary Cancer Syndrome; Hereditary neoplastic syndrome. Identifiers: Orphanet 140162, MedGen C0027672, MeSH D009386, MONDO:0015356.

gnomAD v4.1: 1 of 1,603,682 alleles (0.000062%); highest among the groups gnomAD compares: Admixed American, 0.0017%; no homozygotes.

Submissions (2):

Labcorp Genetics (formerly Invitae), Labcorp
Classification: Uncertain significance for Gorlin syndrome; Medulloblastoma. Last evaluated: 2026-02-03. Review status: criteria provided, single submitter. Criteria: Invitae Variant Classification Sherloc (09022015). Collection method: clinical testing. Allele origin: germline.
Comment: This sequence change replaces phenylalanine, which is neutral and non-polar, with leucine, which is neutral and non-polar, at codon 30 of the SUFU protein (p.Phe30Leu). This variant is not present in population databases (gnomAD no frequency). This variant has not been reported in the literature in individuals affected with SUFU-related conditions. ClinVar contains an entry for this variant (Variation ID: 3963868). Invitae Evidence Modeling of protein sequence and biophysical properties (such as structural, functional, and spatial information, amino acid conservation, physicochemical variation, residue mobility, and thermodynamic stability) indicates that this missense variant is not expected to disrupt SUFU protein function with a negative predictive value of 80%. In summary, the available evidence is currently insufficient to determine the role of this variant in disease. Therefore, it has been classified as a Variant of Uncertain Significance.

Ambry Genetics
Classification: Uncertain significance for Hereditary cancer-predisposing syndrome. Last evaluated: 2025-04-28. Review status: criteria provided, single submitter. Criteria: Ambry Variant Classification Scheme 2023. Collection method: clinical testing. Allele origin: germline.
Comment: The p.F30L variant (also known as c.88T>C), located in coding exon 1 of the SUFU gene, results from a T to C substitution at nucleotide position 88. The phenylalanine at codon 30 is replaced by leucine, an amino acid with highly similar properties. This amino acid position is conserved. In addition, the in silico prediction for this alteration is inconclusive. Based on the available evidence, the clinical significance of this variant remains unclear.

NM_016169.4(SUFU):c.88T>C (p.Phe30Leu)

Genes: SUFU (SUFU negative regulator of hedgehog signaling; plus strand), LOC130004614 (ATAC-STARR-seq lymphoblastoid silent region 2764; plus strand). Cytogenetic location: 10q24.32.
Variant type: single nucleotide variant.
Coding change: c.88T>C on transcript NM_016169.4 (MANE Select); coding-DNA position 88, T replaced by C.
Protein change: p.Phe30Leu; replaces phenylalanine 30 with leucine.
Molecular consequence: missense variant.
Genome position (GRCh38, 1-based): chr10:102,504,240, T>C. VCF-style: chr10-102504240-T-C. GRCh37 (hg19) VCF-style: chr10-104263997-T-C.
Other names: c.88T>C, p.Phe30Leu (NM_001178133.2); short protein forms F30L.
Identifiers: ClinVar variation 3963868 (VCV003963868.2).